The following is an entry in ClinVar:

ClinVar aggregate classification (germline): Likely pathogenic (1 of 4 stars; one submission).

Submission:

Labcorp Genetics (formerly Invitae), Labcorp
Classification: Likely pathogenic. Last evaluated: 2024-09-23. Review status: criteria provided, single submitter. Criteria: Invitae Variant Classification Sherloc (09022015). Collection method: clinical testing. Allele origin: germline.
Comment: This sequence change affects an acceptor splice site in intron 11 of the TBXAS1 gene. It is expected to disrupt RNA splicing. Variants that disrupt the donor or acceptor splice site typically lead to a loss of protein function (PMID: 16199547), and loss-of-function variants in TBXAS1 are known to be pathogenic (PMID: 22735388). This variant is present in population databases (no rsID available, gnomAD 0.0009%). This variant has not been reported in the literature in individuals affected with TBXAS1-related conditions. Algorithms developed to predict the effect of sequence changes on RNA splicing suggest that this variant may disrupt the consensus splice site. In summary, the currently available evidence indicates that the variant is pathogenic, but additional data are needed to prove that conclusively. Therefore, this variant has been classified as Likely Pathogenic.

Literature cited by the submitters: PubMed 16199547; PubMed 22735388.

NM_001061.7(TBXAS1):c.1365-2A>G

Gene: TBXAS1 (thromboxane A synthase 1; plus strand). Cytogenetic location: 7q34.
Variant type: single nucleotide variant.
Coding change: c.1365-2A>G on transcript NM_001061.7 (MANE Select); the canonical splice acceptor site of the intron before coding-DNA position 1365, A replaced by G.
Molecular consequence: splice acceptor variant. On other transcripts: intron variant (1).
Genome position (GRCh38, 1-based): chr7:140,017,669, A>G. VCF-style: chr7-140017669-A-G. GRCh37 (hg19) VCF-style: chr7-139717469-A-G.
Other names: c.1365-2A>G (NM_001130966.5); c.1164-2A>G (NM_001166254.4); c.1308-2A>G (NM_001314028.4); c.1503-2A>G (NM_001166253.4); c.1364+1809A>G (NM_030984.6); c.1182-2A>G (NM_001366537.3).
Identifiers: ClinVar variation 3626024 (VCV003626024.2).